The following is an entry in ClinVar:

ClinVar aggregate classification (germline): Conflicting classifications of pathogenicity. Review status: criteria provided, conflicting classifications (1 of 4 stars). 4 submissions from 4 submitters: Uncertain significance (2); Benign (1); Likely benign (1). Last evaluated 2019-08-28.

Conditions:
FMN2-related disorder. Also called: FMN2-related condition.
Intellectual developmental disorder, autosomal recessive 47. Also called: Intellectual disability, autosomal recessive 47. Identifiers: Orphanet 88616, MedGen C4015444, MONDO:0014524, OMIM 616193.

Allele frequency attached by ClinVar (database versions not stated): 1000 Genomes Project 0.00140; gnomAD exomes 0.00314; gnomAD 0.04768.

Submissions (4):

Victorian Clinical Genetics Services, Murdoch Childrens Research Institute
Classification: Likely benign for Intellectual developmental disorder, autosomal recessive 47. Last evaluated: 2019-08-28. Review status: criteria provided, single submitter. Criteria: ACMG Guidelines, 2015. Collection method: clinical testing. Allele origin: germline. Inheritance: Autosomal recessive inheritance.
Comment: A heterozygous missense variant was identified, NM_020066.4(FMN2):c.2897T>C in exon 5 of 18 of the FMN2 gene (NB: This variant is non-coding in the NM_001348094.1 transcript). This substitution is predicted to create a moderate amino acid change from leucine to proline at position 966 of the protein, NP_064450.3(FMN2):p.(Leu966Pro). The leucine at this position has low conservation (100 vertebrates, UCSC), and is located within the FH1 functional domain. In silico software predicts this variant to be benign (Polyphen, SIFT, CADD, Mutation Taster). The variant is present in the gnomAD population database at a frequency of 0.35% (675 heterozygotes, 0 homozygotes). The variant has been previously reported as a VUS in a clinical testing setting (ClinVar). Based on information available at the time of curation, this variant has been classified as LIKELY BENIGN.

PreventionGenetics, part of Exact Sciences
Classification: Benign for FMN2-related condition. Last evaluated: 2019-04-18. Review status: criteria provided, single submitter. Criteria: ACMG Guidelines, 2015. Collection method: clinical testing. Allele origin: germline.
Comment: This variant is classified as benign based on ACMG/AMP sequence variant interpretation guidelines (Richards et al. 2015 PMID: 25741868, with internal and published modifications).

Genomic Diagnostic Laboratory, Division of Genomic Diagnostics, Children's Hospital of Philadelphia
Classification: Uncertain significance. Last evaluated: 2015-06-05. Review status: criteria provided, single submitter. Criteria: DGD Variant Analysis Guidelines. Collection method: clinical testing. Allele origin: unknown.

Breakthrough Genomics
Classification: Uncertain significance. Review status: criteria provided, single submitter. Criteria: ACMG Guidelines, 2015. Collection method: not provided. Allele origin: germline. Inheritance: Autosomal recessive inheritance. Affected: yes.

NM_020066.5(FMN2):c.2897T>C (p.Leu966Pro)

Gene: FMN2 (formin 2; plus strand). Cytogenetic location: 1q43.
Variant type: single nucleotide variant.
Coding change: c.2897T>C on transcript NM_020066.5 (MANE Select); coding-DNA position 2897, T replaced by C.
Protein change: p.Leu966Pro; replaces leucine 966 with proline.
Molecular consequence: missense variant. On other transcripts: intron variant (1).
Genome position (GRCh38, 1-based): chr1:240,207,709, T>C. VCF-style: chr1-240207709-T-C. GRCh37 (hg19) VCF-style: chr1-240371009-T-C.
Other names: c.2909T>C, p.Leu970Pro (NM_001305424.2); c.1986+19447T>C (NM_001348094.2); short protein forms L970P, L966P.
Identifiers: ClinVar variation 218766 (VCV000218766.4), dbSNP rs200975594, ClinGen allele CA249255.